The following is an entry in ClinVar:

NM_145068.4(TRPV3):c.*940G>A

Genes: SPATA22 (spermatogenesis associated 22; minus strand), TRPV3 (transient receptor potential cation channel subfamily V member 3; minus strand). Cytogenetic location: 17p13.2.
Variant type: single nucleotide variant.
Coding change: c.*940G>A on transcript NM_145068.4 (MANE Select); 940 bases downstream of the stop codon, G replaced by A.
Molecular consequence: 3 prime UTR variant. On other transcripts: intron variant (2).
Genome position (GRCh38, 1-based): chr17:3,512,977, C>T on the plus strand (G>A on the coding strand, the complement: TRPV3 is on the minus strand). VCF-style: chr17-3512977-C-T. GRCh37 (hg19) VCF-style: chr17-3416271-C-T.
Other names: c.*940G>A (NM_001258205.2); c.-74+435G>A (NM_001321336.2, NM_001321337.2).
Identifiers: ClinVar variation 322730 (VCV000322730.8), dbSNP rs10852861, ClinGen allele CA10649897.

ClinVar aggregate classification (germline): Benign. Review status: criteria provided, multiple submitters, no conflicts (2 of 4 stars). 2 submissions from 2 submitters: Benign (2). Last evaluated 2018-01-12.

Conditions:
Isolated focal non-epidermolytic palmoplantar keratoderma. Also called: Palmoplantar keratoderma, nonepidermolytic, focal 2. Identifiers: Orphanet 448264, MedGen C4225339, MONDO:0014622, OMIM 616400.

Allele frequency attached by ClinVar (database versions not stated): 1000 Genomes Project 0.92093; gnomAD 0.92565 and 0.93022; gnomAD exomes 1.00000; 1000 Genomes Project 30x 0.91537; TOPMed 0.91963.
gnomAD v4.1: 141,689 of 152,194 alleles (93%); highest among the groups gnomAD compares: East Asian, 100%; 66,792 homozygotes.

Submissions (2):

Illumina Laboratory Services, Illumina
Classification: Benign for Isolated focal non-epidermolytic palmoplantar keratoderma. Last evaluated: 2018-01-12. Review status: criteria provided, single submitter. Criteria: ICSL Variant Classification Criteria 13 December 2019. Collection method: clinical testing. Allele origin: germline.
Comment: This variant was observed in the ICSL laboratory as part of a predisposition screen in an ostensibly healthy population. It had not been previously curated by ICSL or reported in the Human Gene Mutation Database (HGMD: prior to June 1st, 2018), and was therefore a candidate for classification through an automated scoring system. Utilizing variant allele frequency, disease prevalence and penetrance estimates, and inheritance mode, an automated score was calculated to assess if this variant is too frequent to cause the disease. Based on the score and internal cut-off values, a variant classified as benign is not then subjected to further curation. The score for this variant resulted in a classification of benign for this disease.

Breakthrough Genomics
Classification: Benign. Review status: criteria provided, single submitter. Criteria: ACMG Guidelines, 2015. Collection method: not provided. Allele origin: germline. Inheritance: Autosomal dominant inheritance. Affected: yes.